The following is an entry in ClinVar:

ClinVar aggregate classification (germline): Pathogenic/Likely pathogenic. Review status: criteria provided, multiple submitters, no conflicts (2 of 4 stars). 10 submissions from 10 submitters: Pathogenic (1); Likely pathogenic (4). 5 of the submissions do not count toward it. Last evaluated 2025-06-14.

Conditions:
Meier-Gorlin syndrome 3 (MGORS3). Identifiers: Orphanet 2554, MedGen C3151113, MONDO:0013430, OMIM 613803.
ORC6-related disorders.

Allele frequency attached by ClinVar (database versions not stated): TOPMed 0.00010; gnomAD 0.00013 and 0.00016; gnomAD exomes 0.00016 and 0.00019; ExAC 0.00020.
gnomAD v4.1: 291 of 1,593,704 alleles (0.018%); highest among the groups gnomAD compares: Non-Finnish European, 0.023%; no homozygotes.

Submissions (13):

Labcorp Genetics (formerly Invitae), Labcorp
Classification: Pathogenic. Last evaluated: 2025-06-14. Review status: criteria provided, single submitter. Criteria: Invitae Variant Classification Sherloc (09022015). Collection method: clinical testing. Allele origin: germline.
Comment: This sequence change falls in intron 4 of the ORC6 gene. It does not directly change the encoded amino acid sequence of the ORC6 protein. RNA analysis indicates that this variant induces altered splicing and likely results in a shortened protein product. This variant is present in population databases (rs572314014, gnomAD 0.03%). This variant has been observed in individual(s) with Meier-Gorlin syndrome (PMID: 22333897, 36012502). In at least one individual the data is consistent with being in trans (on the opposite chromosome) from a pathogenic variant. ClinVar contains an entry for this variant (Variation ID: 253273). Variants that disrupt the consensus splice site are a relatively common cause of aberrant splicing (PMID: 17576681, 9536098). Studies have shown that this variant results in skipping of exon 4, but is expected to preserve the integrity of the reading-frame (PMID: 36012502). For these reasons, this variant has been classified as Pathogenic.

Variantyx, Inc.
Classification: Likely pathogenic for Meier-Gorlin syndrome 3. Last evaluated: 2025-04-09. Review status: criteria provided, single submitter. Criteria: Variantyx Assertion Criteria 2022. Collection method: clinical testing. Allele origin: germline. Inheritance: Autosomal recessive inheritance. Affected: no.
Comment: This is an intronic variant in the ORC6 gene (OMIM: 607213). Pathogenic variants in this gene have been associated with autosomal recessive Meier-Gorlin syndrome 3. Functional analysis has shown that this variant causes in-frame skipping of exon 4, resulting in a shortened protein product (PMID: 36012502) (PM4). This variant has been identified in the homozygous or compound heterozygous state in at least 6 individuals reported in the published literature (PMID: 22333897, 36012502, 33262486) (PM3_Strong). It has a 0.0233% maximum allele frequency in non-founder control populations (PM2). Based on the current evidence, this variant is classified as likely pathogenic for autosomal recessive Meier-Gorlin syndrome 3.

ARUP Laboratories, Molecular Genetics and Genomics, ARUP Laboratories
Classification: Likely pathogenic for Meier-Gorlin syndrome 3. Last evaluated: 2024-04-08. Review status: criteria provided, single submitter. Criteria: ARUP Molecular Germline Variant Investigation Process 2024. Collection method: clinical testing. Allele origin: germline.
Comment: The ORC6 c.449+5G>A variant (rs572314014, ClinVar Variation ID: 253273) is reported in the literature in at least four probands affected with Meier-Gorlin syndrome, all of whom carried the c.2T>C; p.Met1? variant in trans (de Munnik 2012, Nazarenko 2022). This variant is found in the general population with an overall allele frequency of 0.016% (46/282,270 alleles) in the Genome Aggregation Database (v2.1.1). Functional analysis of the c.449+5G>A variant suggests it leads to skipping of exon 4 (Nazarenko 2022). Based on available information, this variant is considered to be likely pathogenic. References: de Munnik SA et al. Meier-Gorlin syndrome genotype-phenotype studies: 35 individuals with pre-replication complex gene mutations and 10 without molecular diagnosis. Eur J Hum Genet. 2012 Jun;20(6):598-606. PMID: 22333897. Nazarenko MS et al. Meier-Gorlin Syndrome: Clinical Misdiagnosis, Genetic Testing and Functional Analysis of ORC6 Mutations and the Development of a Prenatal Test. Int J Mol Sci. 2022 Aug 17;23(16):9234. PMID: 36012502.

Department of Pathology and Laboratory Medicine, Sinai Health System
Classification: Likely pathogenic for Meier-Gorlin syndrome 3. Last evaluated: 2023-10-03. Review status: criteria provided, single submitter. Criteria: ACMG Guidelines, 2015. Collection method: research. Allele origin: germline.

Blueprint Genetics
Classification: Likely pathogenic for ORC6-related disorders. Last evaluated: 2021-09-10. Review status: criteria provided, single submitter. Criteria: ACMG Guidelines, 2015. Collection method: clinical testing. Allele origin: germline. Affected: yes. Observed: 5 variant alleles.

OMIM
Classification: Pathogenic for MEIER-GORLIN SYNDROME 3. Last evaluated: 2016-08-26. Review status: no assertion criteria provided. Collection method: literature only. Allele origin: germline. Not counted in ClinVar's aggregate classification.

Dr. Peter K. Rogan Lab, Western University
No classification provided (evidence only). Condition: Papillary renal cell carcinoma type 1. Review status: no classification provided. Collection method: in vitro. Allele origin: not applicable. Functional consequence: skipped exon. Not counted in ClinVar's aggregate classification.

Dr. Peter K. Rogan Lab, Western University
No classification provided (evidence only). Condition: Uterine corpus endometrial carcinoma. Review status: no classification provided. Collection method: in vitro. Allele origin: not applicable. Functional consequence: retained intron. Not counted in ClinVar's aggregate classification.

Dr. Peter K. Rogan Lab, Western University
No classification provided (evidence only). Condition: Gastric cancer. Review status: no classification provided. Collection method: in vitro. Allele origin: not applicable. Functional consequence: retained intron. Not counted in ClinVar's aggregate classification.

Genome Diagnostics Laboratory, Amsterdam University Medical Center
Classification: Likely pathogenic. Review status: no assertion criteria provided. Collection method: clinical testing. Allele origin: germline. Affected: yes. Study: VKGL Data-share Consensus. Not counted in ClinVar's aggregate classification.

Joint Genome Diagnostic Labs from Nijmegen and Maastricht, Radboudumc and MUMC+
Classification: Likely pathogenic. Review status: no assertion criteria provided. Collection method: clinical testing. Allele origin: germline. Affected: yes. Study: VKGL Data-share Consensus. Not counted in ClinVar's aggregate classification.

Service de Génétique Moléculaire, Hôpital Robert Debré
Classification: Likely pathogenic for Meier-Gorlin syndrome 3. Review status: no assertion criteria provided. Collection method: clinical testing. Allele origin: unknown. Affected: yes. Not counted in ClinVar's aggregate classification.

Revvity Omics, Revvity
Classification: Uncertain significance for Meier-Gorlin syndrome 3. Last evaluated: 2021-10-13. Review status: flagged submission. Criteria: ACMG Guidelines, 2015. Collection method: clinical testing. Allele origin: germline. Not counted in ClinVar's aggregate classification.
ClinVar note: Reason: Outlier claim with insufficient supporting evidence

Literature cited by the submitters: PubMed 22333897 (cited by 3 submitters); PubMed 36012502 (cited by Labcorp Genetics (formerly Invitae), Labcorp and Variantyx, Inc.); PubMed 17576681 (cited by Labcorp Genetics (formerly Invitae), Labcorp); PubMed 9536098 (cited by Labcorp Genetics (formerly Invitae), Labcorp); PubMed 33262486 (cited by Variantyx, Inc.).

NM_014321.4(ORC6):c.449+5G>A

Gene: ORC6 (origin recognition complex subunit 6; plus strand). Cytogenetic location: 16q11.2.
Variant type: single nucleotide variant.
Coding change: c.449+5G>A on transcript NM_014321.4 (MANE Select); 5 bases into the intron after coding-DNA position 449, G replaced by A.
Molecular consequence: intron variant.
Genome position (GRCh38, 1-based): chr16:46,693,187, G>A. VCF-style: chr16-46693187-G-A. GRCh37 (hg19) VCF-style: chr16-46727099-G-A.
Other names: 449+5G-A.
Identifiers: ClinVar variation 253273 (VCV000253273.18), dbSNP rs572314014, ClinGen allele CA8037381.